The following is an entry in ClinVar:

NM_001429.4(EP300):c.180T>C (p.Asp60=)

Gene: EP300 (EP300 lysine acetyltransferase; plus strand). Cytogenetic location: 22q13.2.
Variant type: single nucleotide variant.
Coding change: c.180T>C on transcript NM_001429.4 (MANE Select); coding-DNA position 180, T replaced by C.
Protein change: p.Asp60=; no amino-acid change (aspartic acid 60 retained).
Molecular consequence: synonymous variant.
Genome position (GRCh38, 1-based): chr22:41,117,272, T>C. VCF-style: chr22-41117272-T-C. GRCh37 (hg19) VCF-style: chr22-41513276-T-C.
Other names: c.180T>C, p.Asp60= (NM_001362843.2).
Identifiers: ClinVar variation 4873992 (VCV004873992.2).

ClinVar aggregate classification (germline): Likely benign (1 of 4 stars; one submission).

gnomAD v4.1: 33 of 1,614,102 alleles (0.002%); highest among the groups gnomAD compares: Non-Finnish European, 0.0027%; no homozygotes.

Submission:

CeGaT Center for Human Genetics Tuebingen
Classification: Likely benign. Last evaluated: 2026-03-01. Review status: criteria provided, single submitter. Criteria: CeGaT Center For Human Genetics Tuebingen Variant Classification Criteria Version 2. Collection method: clinical testing. Allele origin: germline. Affected: yes. Observed: 1 variant allele.
Comment: EP300: BP4, BP7